The following is an entry in ClinVar:

NM_003738.5(PTCH2):c.1090C>T (p.Gln364Ter)

Gene: PTCH2 (patched 2; minus strand). Cytogenetic location: 1p34.1.
Variant type: single nucleotide variant.
Coding change: c.1090C>T on transcript NM_003738.5 (MANE Select); coding-DNA position 1090, C replaced by T.
Protein change: p.Gln364Ter; replaces glutamine 364 with a stop codon.
Molecular consequence: nonsense.
Genome position (GRCh38, 1-based): chr1:44,829,527, G>A on the plus strand (C>T on the coding strand, the complement: PTCH2 is on the minus strand). VCF-style: chr1-44829527-G-A. GRCh37 (hg19) VCF-style: chr1-45295199-G-A.
Other names: c.1090C>T, p.Gln364Ter (NM_001166292.2); short protein forms Q364*.
Identifiers: ClinVar variation 951131 (VCV000951131.8), dbSNP rs1315638429, ClinGen allele CA340104570.

ClinVar aggregate classification (germline): Uncertain significance (1 of 4 stars; one submission).

Conditions:
Gorlin syndrome. Also called: Basal cell nevus syndrome; Nevoid Basal Cell Carcinoma Syndrome. Identifiers: Orphanet 377, MedGen C0004779, MONDO:0007187.

Submission:

Labcorp Genetics (formerly Invitae), Labcorp
Classification: Uncertain significance for Gorlin syndrome. Last evaluated: 2019-07-05. Review status: criteria provided, single submitter. Criteria: Invitae Variant Classification Sherloc (09022015). Collection method: clinical testing. Allele origin: germline.
Comment: The current clinical and genetic evidence is not sufficient to establish whether loss-of-function variants in PTCH2 cause disease. This sequence change creates a premature translational stop signal (p.Gln364*) in the PTCH2 gene. It is expected to result in an absent or disrupted protein product. This variant is not present in population databases (ExAC no frequency). This variant has not been reported in the literature in individuals with PTCH2-related conditions. In summary, the available evidence is currently insufficient to determine the role of this variant in disease. Therefore, it has been classified as a Variant of Uncertain Significance.